The following is an entry in ClinVar:

NM_006231.4(POLE):c.754G>C (p.Ala252Pro)

Gene: POLE (DNA polymerase epsilon, catalytic subunit; minus strand). Cytogenetic location: 12q24.33.
Variant type: single nucleotide variant.
Coding change: c.754G>C on transcript NM_006231.4 (MANE Select); coding-DNA position 754, G replaced by C.
Protein change: p.Ala252Pro; replaces alanine 252 with proline.
Molecular consequence: missense variant.
Genome position (GRCh38, 1-based): chr12:132,677,410, C>G on the plus strand (G>C on the coding strand, the complement: POLE is on the minus strand). VCF-style: chr12-132677410-C-G. GRCh37 (hg19) VCF-style: chr12-133253996-C-G.
Other names: short protein forms A252P.
Identifiers: ClinVar variation 1486956 (VCV001486956.8), dbSNP rs763293555, ClinGen allele CA387364491.

ClinVar aggregate classification (germline): Uncertain significance. Review status: criteria provided, multiple submitters, no conflicts (2 of 4 stars). 2 submissions from 2 submitters: Uncertain significance (2). Last evaluated 2021-12-21.

Conditions:
Hereditary cancer-predisposing syndrome. Also called: Hereditary neoplastic syndrome; Neoplastic Syndromes, Hereditary; Hereditary Cancer Syndrome; Tumor predisposition. Identifiers: Orphanet 140162, MedGen C0027672, MeSH D009386, MONDO:0015356.

gnomAD v4.1: 1 of 1,614,102 alleles (0.000062%); highest among the groups gnomAD compares: Non-Finnish European, 0.000085%; no homozygotes.

Submissions (2):

Ambry Genetics
Classification: Uncertain significance for Hereditary cancer-predisposing syndrome. Last evaluated: 2021-12-21. Review status: criteria provided, single submitter. Criteria: Ambry Variant Classification Scheme 2023. Collection method: clinical testing. Allele origin: germline.
Comment: The p.A252P variant (also known as c.754G>C), located in coding exon 8 of the POLE gene, results from a G to C substitution at nucleotide position 754. The alanine at codon 252 is replaced by proline, an amino acid with highly similar properties. This amino acid position is conserved. In addition, this alteration is predicted to be tolerated by in silico analysis. Since supporting evidence is limited at this time, the clinical significance of this alteration remains unclear.

Labcorp Genetics (formerly Invitae), Labcorp
Classification: Uncertain significance. Last evaluated: 2021-09-21. Review status: criteria provided, single submitter. Criteria: Invitae Variant Classification Sherloc (09022015). Collection method: clinical testing. Allele origin: germline.
Comment: This sequence change replaces alanine with proline at codon 252 of the POLE protein (p.Ala252Pro). The alanine residue is moderately conserved and there is a small physicochemical difference between alanine and proline. This variant is not present in population databases (ExAC no frequency). This variant has not been reported in the literature in individuals affected with POLE-related conditions. Algorithms developed to predict the effect of missense changes on protein structure and function (SIFT, PolyPhen-2, Align-GVGD) all suggest that this variant is likely to be tolerated. In summary, the available evidence is currently insufficient to determine the role of this variant in disease. Therefore, it has been classified as a Variant of Uncertain Significance.